The following is an entry in ClinVar:

ClinVar aggregate classification (germline): Uncertain significance. Review status: criteria provided, multiple submitters, no conflicts (2 of 4 stars). 2 submissions from 2 submitters: Uncertain significance (2). Last evaluated 2023-12-07.

Conditions:
Deficiency of aromatic-L-amino-acid decarboxylase. Also called: AADC DEFICIENCY; DDC DEFICIENCY; DOPA DECARBOXYLASE DEFICIENCY; Aromatic amino acid decarboxylase deficiency; Aromatic L-Amino Acid Decarboxylase Deficiency. Identifiers: Orphanet 35708, MedGen C1291564, MONDO:0012084, OMIM 608643.

Allele frequency attached by ClinVar (database versions not stated): gnomAD 0.00001; TOPMed 0.00001; ExAC 0.00002; gnomAD exomes 0.00002; ESP Exome Variant Server 0.00008.
gnomAD v4.1: 29 of 1,614,060 alleles (0.0018%); highest among the groups gnomAD compares: Non-Finnish European, 0.0022%; no homozygotes.

Submissions (2):

Labcorp Genetics (formerly Invitae), Labcorp
Classification: Uncertain significance for Deficiency of aromatic-L-amino-acid decarboxylase. Last evaluated: 2023-12-07. Review status: criteria provided, single submitter. Criteria: Invitae Variant Classification Sherloc (09022015). Collection method: clinical testing. Allele origin: germline.
Comment: This sequence change replaces arginine, which is basic and polar, with cysteine, which is neutral and slightly polar, at codon 393 of the DDC protein (p.Arg393Cys). This variant is present in population databases (rs375309190, gnomAD 0.003%). This variant has not been reported in the literature in individuals affected with DDC-related conditions. ClinVar contains an entry for this variant (Variation ID: 911183). Advanced modeling of protein sequence and biophysical properties (such as structural, functional, and spatial information, amino acid conservation, physicochemical variation, residue mobility, and thermodynamic stability) performed at Invitae indicates that this missense variant is not expected to disrupt DDC protein function with a negative predictive value of 80%. In summary, the available evidence is currently insufficient to determine the role of this variant in disease. Therefore, it has been classified as a Variant of Uncertain Significance.

Illumina Laboratory Services, Illumina
Classification: Uncertain significance for Deficiency of aromatic-L-amino-acid decarboxylase. Last evaluated: 2018-01-12. Review status: criteria provided, single submitter. Criteria: ICSL Variant Classification Criteria 13 December 2019. Collection method: clinical testing. Allele origin: germline.

NM_001082971.2(DDC):c.1177C>T (p.Arg393Cys)

Gene: DDC (dopa decarboxylase; minus strand). Cytogenetic location: 7p12.2.
Variant type: single nucleotide variant.
Coding change: c.1177C>T on transcript NM_001082971.2 (MANE Select); coding-DNA position 1177, C replaced by T.
Protein change: p.Arg393Cys; replaces arginine 393 with cysteine.
Molecular consequence: missense variant.
Genome position (GRCh38, 1-based): chr7:50,467,279, G>A on the plus strand (C>T on the coding strand, the complement: DDC is on the minus strand). VCF-style: chr7-50467279-G-A. GRCh37 (hg19) VCF-style: chr7-50534977-G-A.
Other names: c.1177C>T, p.Arg393Cys (NM_000790.4); c.1063C>T, p.Arg355Cys (NM_001242886.2); c.1033C>T, p.Arg345Cys (NM_001242887.2); c.943C>T, p.Arg315Cys (NM_001242888.2); c.898C>T, p.Arg300Cys (NM_001242889.2); short protein forms R315C, R355C, R393C, R300C, R345C.
Identifiers: ClinVar variation 911183 (VCV000911183.6), dbSNP rs375309190, ClinGen allele CA4262036.
Genomic context (GRCh38, chr7:50,467,279, plus strand): 5'-GCCGAAAGCAGACAAGCCCCAGAATGACTTCCACACAGATTTCAAAGCGGGGATCCTGGC[G>A]CACCAGTGACTCAAACTCATGGGACAGCTGGACATGCTTCAAAGAGGAAAGGGAAAATCT-3'
Protein context (NP_001076440.2, residues 383-403): QLSHEFESLV[Arg393Cys]QDPRFEICVE